The following is an entry in ClinVar:

ClinVar aggregate classification (germline): Uncertain significance. Review status: criteria provided, multiple submitters, no conflicts (2 of 4 stars). 2 submissions from 2 submitters: Uncertain significance (2). Last evaluated 2023-07-19.

Conditions:
Hereditary cancer-predisposing syndrome. Also called: Hereditary Cancer Syndrome; Hereditary neoplastic syndrome; Neoplastic Syndromes, Hereditary; Tumor predisposition. Identifiers: Orphanet 140162, MedGen C0027672, MeSH D009386, MONDO:0015356.
Familial cancer of breast. Also called: BREAST CANCER, FAMILIAL; Hereditary breast cancer; hereditary breast carcinoma. Identifiers: Orphanet 227535, MedGen C0346153, MONDO:0016419, OMIM 114480. Disease mechanism: loss of function.

Submissions (2):

Labcorp Genetics (formerly Invitae), Labcorp
Classification: Uncertain significance for Familial cancer of breast. Last evaluated: 2023-07-19. Review status: criteria provided, single submitter. Criteria: Invitae Variant Classification Sherloc (09022015). Collection method: clinical testing. Allele origin: germline.
Comment: In summary, the available evidence is currently insufficient to determine the role of this variant in disease. Therefore, it has been classified as a Variant of Uncertain Significance. Algorithms developed to predict the effect of sequence changes on RNA splicing suggest that this variant may disrupt the consensus splice site. An algorithm developed to predict the effect of missense changes on protein structure and function (PolyPhen-2) suggests that this variant is likely to be disruptive. ClinVar contains an entry for this variant (Variation ID: 406778). This variant has not been reported in the literature in individuals affected with BARD1-related conditions. This variant is not present in population databases (gnomAD no frequency). This sequence change replaces glycine, which is neutral and non-polar, with serine, which is neutral and polar, at codon 527 of the BARD1 protein (p.Gly527Ser).

Ambry Genetics
Classification: Uncertain significance for Hereditary cancer-predisposing syndrome. Last evaluated: 2020-08-07. Review status: criteria provided, single submitter. Criteria: Ambry Variant Classification Scheme 2023. Collection method: clinical testing. Allele origin: germline.
Comment: The p.G527S variant (also known as c.1579G>A), located in coding exon 7 of the BARD1 gene, results from a G to A substitution at nucleotide position 1579. The glycine at codon 527 is replaced by serine, an amino acid with similar properties. This amino acid position is highly conserved in available vertebrate species. In addition, this alteration is predicted to be deleterious by in silico analysis. Since supporting evidence is limited at this time, the clinical significance of this alteration remains unclear.

NM_000465.4(BARD1):c.1579G>A (p.Gly527Ser)

Gene: BARD1 (BRCA1 associated RING domain 1; minus strand). Cytogenetic location: 2q35.
Variant type: single nucleotide variant.
Coding change: c.1579G>A on transcript NM_000465.4 (MANE Select); coding-DNA position 1579, G replaced by A.
Protein change: p.Gly527Ser; replaces glycine 527 with serine.
Molecular consequence: missense variant. On other transcripts: non-coding transcript variant (3), intron variant (1).
Genome position (GRCh38, 1-based): chr2:214,752,545, C>T on the plus strand (G>A on the coding strand, the complement: BARD1 is on the minus strand). VCF-style: chr2-214752545-C-T. GRCh37 (hg19) VCF-style: chr2-215617269-C-T.
Other names: c.1522G>A, p.Gly508Ser (NM_001282543.2); c.226G>A, p.Gly76Ser (NM_001282545.2); c.169G>A, p.Gly57Ser (NM_001282548.2); c.365-22037G>A (NM_001282549.2); short protein forms G527S, G76S, G508S, G57S.
Identifiers: ClinVar variation 406778 (VCV000406778.14), dbSNP rs1060501301, ClinGen allele CA16610689.